The following is an entry in ClinVar:

NM_007129.5(ZIC2):c.1377A>G (p.Ala459=)

Genes: ZIC2 (Zic family member 2; plus strand), LOC110008580 (Zic family member 2 polyalanine repeat instability region; plus strand). Cytogenetic location: 13q32.3.
Variant type: single nucleotide variant.
Coding change: c.1377A>G on transcript NM_007129.5 (MANE Select); coding-DNA position 1377, A replaced by G.
Protein change: p.Ala459=; no amino-acid change (alanine 459 retained).
Molecular consequence: synonymous variant.
Genome position (GRCh38, 1-based): chr13:99,985,460, A>G. VCF-style: chr13-99985460-A-G. GRCh37 (hg19) VCF-style: chr13-100637714-A-G.
Identifiers: ClinVar variation 3040139 (VCV003040139.2), dbSNP rs781077990, ClinGen allele CA7032988.

ClinVar aggregate classification (germline): Likely benign (0 of 4 stars; one submission).

Conditions:
ZIC2-related disorder. Also called: ZIC2-related condition.

Allele frequency attached by ClinVar (database versions not stated): ExAC 0.00002.

Submission:

PreventionGenetics, part of Exact Sciences
Classification: Likely benign for ZIC2-related condition. Last evaluated: 2019-09-18. Review status: no assertion criteria provided. Collection method: clinical testing. Allele origin: germline.
Comment: This variant is classified as likely benign based on ACMG/AMP sequence variant interpretation guidelines (Richards et al. 2015 PMID: 25741868, with internal and published modifications).